The following is an entry in ClinVar:

ClinVar aggregate classification (germline): Benign (1 of 4 stars; one submission).

Allele frequency attached by ClinVar (database versions not stated): 1000 Genomes Project 30x 0.68754; TOPMed 0.69273; 1000 Genomes Project 0.70148; gnomAD 0.70810 and 0.72255.
gnomAD v4.1: 109,231 of 150,852 alleles (72%); highest among the groups gnomAD compares: East Asian, 100%; 46,346 homozygotes.

Submission:

GeneDx
Classification: Benign. Last evaluated: 2018-06-19. Review status: criteria provided, single submitter. Criteria: GeneDx Variant Classification (06012015). Collection method: clinical testing. Allele origin: germline. Affected: yes.
Comment: This variant is considered likely benign or benign based on one or more of the following criteria: it is a conservative change, it occurs at a poorly conserved position in the protein, it is predicted to be benign by multiple in silico algorithms, and/or has population frequency not consistent with disease.

NM_173630.4(RTTN):c.1189+296A>T

Gene: RTTN (rotatin; minus strand). Cytogenetic location: 18q22.2.
Variant type: single nucleotide variant.
Coding change: c.1189+296A>T on transcript NM_173630.4 (MANE Select); 296 bases into the intron after coding-DNA position 1189, A replaced by T.
Molecular consequence: intron variant.
Genome position (GRCh38, 1-based): chr18:70,190,242, T>A on the plus strand (A>T on the coding strand, the complement: RTTN is on the minus strand). VCF-style: chr18-70190242-T-A. GRCh37 (hg19) VCF-style: chr18-67857478-T-A.
Other names: c.-1365+296A>T (NM_001318520.2).
Identifiers: ClinVar variation 684135 (VCV000684135.1), dbSNP rs12964801, ClinGen allele CA15919168.